The following is an entry in ClinVar:

ClinVar aggregate classification (germline): Uncertain significance (1 of 4 stars; one submission).

Submission:

GeneDx
Classification: Uncertain significance. Last evaluated: 2024-07-15. Review status: criteria provided, single submitter. Criteria: GeneDx Variant Classification Process June 2021. Collection method: clinical testing. Allele origin: germline. Affected: yes.
Comment: Not observed at significant frequency in large population cohorts (gnomAD); In silico analysis indicates that this missense variant does not alter protein structure/function; Has not been previously published as pathogenic or benign to our knowledge

NM_015057.5(MYCBP2):c.11383G>A (p.Val3795Met)

Genes: MYCBP2 (MYC binding protein 2; minus strand), MYCBP2-AS1 (MYCBP2 antisense RNA 1; plus strand). Cytogenetic location: 13q22.3.
Variant type: single nucleotide variant.
Coding change: c.11383G>A on transcript NM_015057.5 (MANE Select); coding-DNA position 11383, G replaced by A.
Protein change: p.Val3795Met; replaces valine 3795 with methionine.
Molecular consequence: missense variant.
Genome position (GRCh38, 1-based): chr13:77,081,462, C>T on the plus strand (G>A on the coding strand, the complement: MYCBP2 is on the minus strand). VCF-style: chr13-77081462-C-T. GRCh37 (hg19) VCF-style: chr13-77655597-C-T.
Other names: short protein forms V3795M.
Identifiers: ClinVar variation 3573690 (VCV003573690.1).